The following is an entry in ClinVar:

ClinVar aggregate classification (germline): Uncertain significance. Review status: criteria provided, multiple submitters, no conflicts (2 of 4 stars). 2 submissions from 2 submitters: Uncertain significance (2). Last evaluated 2024-04-16.

Conditions:
Cardiomyopathy (CMYO). Also called: Cardiomyopathies. Identifiers: Orphanet 167848, MedGen C0878544, MONDO:0004994, HP:0001638. Inheritance: Various modes of inheritance.
Arrhythmogenic cardiomyopathy with wooly hair and keratoderma. Also called: PALMOPLANTAR KERATODERMA WITH LEFT VENTRICULAR CARDIOMYOPATHY AND WOOLLY HAIR; Carvajal syndrome; Dilated cardiomyopathy with woolly hair and keratoderma; Arrhythmogenic cardiomyopathy with woolly hair and keratoderma. Identifiers: Orphanet 65282, MedGen C1854063, MONDO:0011581, OMIM 605676.

Allele frequency attached by ClinVar (database versions not stated): gnomAD exomes below 0.00001.
gnomAD v4.1: 1 of 1,614,186 alleles (0.000062%); highest among the groups gnomAD compares: Non-Finnish European, 0.000085%; no homozygotes.

Submissions (2):

All of Us Research Program, National Institutes of Health
Classification: Uncertain significance for Arrhythmogenic cardiomyopathy with wooly hair and keratoderma. Last evaluated: 2024-04-16. Review status: criteria provided, single submitter. Criteria: ACMG Guidelines, 2015. Collection method: clinical testing. Allele origin: germline. Inheritance: Autosomal dominant inheritance. Observed: 1 variant allele, 1 heterozygote.
Comment: This missense variant replaces leucine with phenylalanine at codon 1709 of the DSP protein. Computational prediction tools and conservation analyses are inconclusive regarding the impact of this variant on the protein function. Computational splicing tools suggest that this variant may not impact RNA splicing. To our knowledge, functional assays have not been performed for this variant nor has this variant been reported in individuals affected with cardiovascular disorders in the literature. This variant has not been identified in the general population by the Genome Aggregation Database (gnomAD). Available evidence is insufficient to determine the role of this variant in disease conclusively. Therefore, this variant is classified as a Variant of Uncertain Significance.

This study involves interpretation of variants in research participants for the purpose of population health screening. Participant phenotype was not available at the time of variant classification. Additional details can be found in publication PMID: 35346344, PMCID: PMC8962531

Color Diagnostics, LLC DBA Color Health
Classification: Uncertain significance for Cardiomyopathy. Last evaluated: 2023-12-05. Review status: criteria provided, single submitter. Criteria: ACMG Guidelines, 2015. Collection method: clinical testing. Allele origin: germline.
Comment: This missense variant replaces leucine with phenylalanine at codon 1709 of the DSP protein. Computational prediction tools and conservation analyses are inconclusive regarding the impact of this variant on the protein function. Computational splicing tools suggest that this variant may not impact RNA splicing. To our knowledge, functional assays have not been performed for this variant nor has this variant been reported in individuals affected with cardiovascular disorders in the literature. This variant has not been identified in the general population by the Genome Aggregation Database (gnomAD). Available evidence is insufficient to determine the role of this variant in disease conclusively. Therefore, this variant is classified as a Variant of Uncertain Significance.

NM_004415.4(DSP):c.5125C>T (p.Leu1709Phe)

Gene: DSP (desmoplakin; plus strand). Cytogenetic location: 6p24.3.
Variant type: single nucleotide variant.
Coding change: c.5125C>T on transcript NM_004415.4 (MANE Select); coding-DNA position 5125, C replaced by T.
Protein change: p.Leu1709Phe; replaces leucine 1709 with phenylalanine.
Molecular consequence: missense variant. On other transcripts: intron variant (2).
Genome position (GRCh38, 1-based): chr6:7,581,315, C>T. VCF-style: chr6-7581315-C-T. GRCh37 (hg19) VCF-style: chr6-7581548-C-T.
Other names: c.4050+1075C>T (NM_001319034.2); c.3583-1327C>T (NM_001008844.3); short protein forms L1709F.
Identifiers: ClinVar variation 924679 (VCV000924679.6), dbSNP rs1759432908, ClinGen allele CA362687908.
Genomic context (GRCh38, chr6:7,581,315, plus strand): 5'-ATAGAAGATAAAAGCAGAAGCTTAAATGAAAGCAAAATAGAAATTGAGAGGCTGCAGTCT[C>T]TCACAGAGAACCTGACCAAGGAGCACTTGATGTTAGAAGAAGAACTGCGGAACCTGAGGC-3'
Protein context (NP_004406.2, residues 1699-1719): SKIEIERLQS[Leu1709Phe]TENLTKEHLM